The following is an entry in ClinVar:

ClinVar aggregate classification (germline): Uncertain significance (1 of 4 stars; one submission).

Conditions:
Alzheimer disease. Also called: Alzheimer's disease; Presenile and senile dementia. Identifiers: Orphanet 1020, MedGen C0002395, MeSH D000544, MONDO:0004975, HP:0002511.

gnomAD v4.1: 1 of 1,614,134 alleles (0.000062%); highest among the groups gnomAD compares: Non-Finnish European, 0.000085%; no homozygotes.

Submission:

Labcorp Genetics (formerly Invitae), Labcorp
Classification: Uncertain significance for Alzheimer disease. Last evaluated: 2021-10-23. Review status: criteria provided, single submitter. Criteria: Invitae Variant Classification Sherloc (09022015). Collection method: clinical testing. Allele origin: germline.
Comment: In summary, the available evidence is currently insufficient to determine the role of this variant in disease. Therefore, it has been classified as a Variant of Uncertain Significance. Algorithms developed to predict the effect of missense changes on protein structure and function are either unavailable or do not agree on the potential impact of this missense change (SIFT: "Tolerated"; PolyPhen-2: "Not Available"; Align-GVGD: "Class C0"). This variant has not been reported in the literature in individuals affected with APP-related conditions. This variant is not present in population databases (gnomAD no frequency). This sequence change replaces asparagine, which is neutral and polar, with aspartic acid, which is acidic and polar, at codon 195 of the APP protein (p.Asn195Asp).

NM_000484.4(APP):c.583A>G (p.Asn195Asp)

Gene: APP (amyloid beta precursor protein; minus strand). Cytogenetic location: 21q21.3.
Variant type: single nucleotide variant.
Coding change: c.583A>G on transcript NM_000484.4 (MANE Select); coding-DNA position 583, A replaced by G.
Protein change: p.Asn195Asp; replaces asparagine 195 with aspartic acid.
Molecular consequence: missense variant.
Genome position (GRCh38, 1-based): chr21:26,051,079, T>C on the plus strand (A>G on the coding strand, the complement: APP is on the minus strand). VCF-style: chr21-26051079-T-C. GRCh37 (hg19) VCF-style: chr21-27423395-T-C.
Other names: c.568A>G, p.Asn190Asp (NM_001136016.3); c.415A>G, p.Asn139Asp (NM_001136129.3, NM_001136130.3); c.478A>G, p.Asn160Asp (NM_001136131.3); c.583A>G, p.Asn195Asp (NM_001204301.2, NM_001204302.2, NM_001204303.2 and 3 more transcripts); short protein forms N139D, N160D, N190D, N195D.
Identifiers: ClinVar variation 1496049 (VCV001496049.6), dbSNP rs2146905389, ClinGen allele CA409862852.